The following is an entry in ClinVar:

ClinVar aggregate classification (germline): Uncertain significance (1 of 4 stars; one submission).

Allele frequency attached by ClinVar (database versions not stated): ExAC 0.00001.
gnomAD v4.1: 2 of 1,601,302 alleles (0.00012%); highest among the groups gnomAD compares: Non-Finnish European, 0.00017%; no homozygotes.

Submission:

Labcorp Genetics (formerly Invitae), Labcorp
Classification: Uncertain significance. Last evaluated: 2023-12-07. Review status: criteria provided, single submitter. Criteria: Invitae Variant Classification Sherloc (09022015). Collection method: clinical testing. Allele origin: germline.
Comment: This sequence change replaces serine, which is neutral and polar, with phenylalanine, which is neutral and non-polar, at codon 99 of the HTRA2 protein (p.Ser99Phe). The frequency data for this variant in the population databases is considered unreliable, as metrics indicate poor data quality at this position in the gnomAD database. This variant has not been reported in the literature in individuals affected with HTRA2-related conditions. An algorithm developed to predict the effect of missense changes on protein structure and function (PolyPhen-2) suggests that this variant is likely to be tolerated. In summary, the available evidence is currently insufficient to determine the role of this variant in disease. Therefore, it has been classified as a Variant of Uncertain Significance.

NM_013247.5(HTRA2):c.296C>T (p.Ser99Phe)

Gene: HTRA2 (HtrA serine peptidase 2; plus strand). Cytogenetic location: 2p13.1.
Variant type: single nucleotide variant.
Coding change: c.296C>T on transcript NM_013247.5 (MANE Select); coding-DNA position 296, C replaced by T.
Protein change: p.Ser99Phe; replaces serine 99 with phenylalanine.
Molecular consequence: missense variant. On other transcripts: non-coding transcript variant (1).
Genome position (GRCh38, 1-based): chr2:74,530,302, C>T. VCF-style: chr2-74530302-C-T. GRCh37 (hg19) VCF-style: chr2-74757429-C-T.
Other names: c.296C>T, p.Ser99Phe (NM_001321727.1, NM_001321728.1, NM_145074.2); short protein forms S99F.
Identifiers: ClinVar variation 2784743 (VCV002784743.3), dbSNP rs772453890, ClinGen allele CA1728317.